The following is an entry in ClinVar:

NM_001077706.3(ECT2L):c.1672A>C (p.Ile558Leu)

Gene: ECT2L (epithelial cell transforming 2 like; plus strand). Cytogenetic location: 6q24.1.
Variant type: single nucleotide variant.
Coding change: c.1672A>C on transcript NM_001077706.3 (MANE Select); coding-DNA position 1672, A replaced by C.
Protein change: p.Ile558Leu; replaces isoleucine 558 with leucine.
Molecular consequence: missense variant.
Genome position (GRCh38, 1-based): chr6:138,880,963, A>C. VCF-style: chr6-138880963-A-C. GRCh37 (hg19) VCF-style: chr6-139202100-A-C.
Other names: c.1672A>C, p.Ile558Leu (NM_001195037.2); short protein forms I558L.
Identifiers: ClinVar variation 133992 (VCV000133992.1), dbSNP rs375958674, ClinGen allele CA158356.

ClinVar aggregate classification (germline): not provided (0 of 4 stars; one submission).

Allele frequency attached by ClinVar (database versions not stated): gnomAD exomes 0.00002 and 0.00004; ExAC 0.00003; TOPMed 0.00004; gnomAD 0.00005 and 0.00006.
gnomAD v4.1: 72 of 1,613,488 alleles (0.0045%); highest among the groups gnomAD compares: African/African-American, 0.052%; no homozygotes.

Submission:

ITMI
No classification provided. Condition: AllHighlyPenetrant. Last evaluated: 2013-09-19. Review status: no classification provided. Collection method: reference population. Allele origin: germline.
Comment: Please see associated publication for description of ethnicities

Literature cited by the submitters: PubMed 24728327.